The following is an entry in ClinVar:

NM_001374736.1(DST):c.3620C>T (p.Ser1207Leu)

Gene: DST (dystonin; minus strand). Cytogenetic location: 6p12.1.
Variant type: single nucleotide variant.
Coding change: c.3620C>T on transcript NM_001374736.1 (MANE Select); coding-DNA position 3620, C replaced by T.
Protein change: p.Ser1207Leu; replaces serine 1207 with leucine.
Molecular consequence: missense variant.
Genome position (GRCh38, 1-based): chr6:56,634,133, G>A on the plus strand (C>T on the coding strand, the complement: DST is on the minus strand). VCF-style: chr6-56634133-G-A. GRCh37 (hg19) VCF-style: chr6-56498931-G-A.
Other names: c.3521C>T, p.Ser1174Leu (NM_001144769.5); c.3107C>T, p.Ser1036Leu (NM_001144770.2); c.3620C>T, p.Ser1207Leu (NM_001374722.1); c.2987C>T, p.Ser996Leu (NM_001374729.1, NM_001374730.1, NM_001386100.1 and 1 more transcripts); c.3647C>T, p.Ser1216Leu (NM_001374734.1); c.2009C>T, p.Ser670Leu (NM_001723.7, NM_015548.5); short protein forms S670L, S1174L, S996L, S1036L, S1207L, S1216L.
Identifiers: ClinVar variation 578892 (VCV000578892.10), dbSNP rs1563337534, ClinGen allele CA364575525.
Genomic context (GRCh38, chr6:56,634,133, plus strand): 5'-ATATGAAAAGGCATGCACATTTTTGGACATATCGAGTTGACATACAGATTCATACTTACT[G>A]AAGCCACATTGCTAGCTCGAATTCTATCAATTTCATTGATGAGATAATGCCAGGATACTA-3'
Protein context (NP_001361665.1, residues 1197-1217): IDRIRASNVA[Ser1207Leu]IKTMLPGEHQ

ClinVar aggregate classification (germline): Uncertain significance (1 of 4 stars; one submission).

Conditions:
Epidermolysis bullosa simplex 3, localized or generalized intermediate, with BP230 deficiency (EBS3). Also called: Epidermolysis bullosa simplex, autosomal recessive 2; Epidermolysis bullosa simplex due to BP230 deficiency. Identifiers: Orphanet 412181, MedGen C3809470, MONDO:0014180, OMIM 615425.
Hereditary sensory and autonomic neuropathy type 6. Also called: HSAN VI; Neuropathy, hereditary sensory and autonomic, type VI. Identifiers: Orphanet 314381, MedGen C3539003, MONDO:0013839, OMIM 614653.

Submission:

Labcorp Genetics (formerly Invitae), Labcorp
Classification: Uncertain significance for Epidermolysis bullosa simplex 3, localized or generalized intermediate, with BP230 deficiency; Hereditary sensory and autonomic neuropathy type 6. Last evaluated: 2021-03-18. Review status: criteria provided, single submitter. Criteria: Invitae Variant Classification Sherloc (09022015). Collection method: clinical testing. Allele origin: germline.
Comment: In summary, the available evidence is currently insufficient to determine the role of this variant in disease. Therefore, it has been classified as a Variant of Uncertain Significance. Algorithms developed to predict the effect of missense changes on protein structure and function (SIFT, PolyPhen-2, Align-GVGD) all suggest that this variant is likely to be disruptive, but these predictions have not been confirmed by published functional studies and their clinical significance is uncertain. This variant has not been reported in the literature in individuals with DST-related disease. This variant is not present in population databases (ExAC no frequency). This sequence change replaces serine with leucine at codon 670 of the DST protein (p.Ser670Leu). The serine residue is highly conserved and there is a large physicochemical difference between serine and leucine.